The following is an entry in ClinVar:

ClinVar aggregate classification (germline): Conflicting classifications of pathogenicity. Review status: criteria provided, conflicting classifications (1 of 4 stars). 5 submissions from 5 submitters: Uncertain significance (3); Likely benign (2). Last evaluated 2025-12-28.

Conditions:
Inborn genetic diseases. Identifiers: MedGen C0950123, MeSH D030342.
Seckel syndrome 1 (SCKL1). Also called: MICROCEPHALIC PRIMORDIAL DWARFISM I. Identifiers: Orphanet 808, MedGen C4551474, MONDO:0008869, OMIM 210600.
Familial cutaneous telangiectasia and oropharyngeal predisposition cancer syndrome. Identifiers: Orphanet 313846, MedGen C3281203, MONDO:0013806, OMIM 614564.

Allele frequency attached by ClinVar (database versions not stated): TOPMed 0.00005; gnomAD 0.00013; ExAC 0.00016; ESP Exome Variant Server 0.00016.
gnomAD v4.1: 112 of 1,584,324 alleles (0.0071%); highest among the groups gnomAD compares: Middle Eastern, 0.033%; no homozygotes.

Submissions (5):

Labcorp Genetics (formerly Invitae), Labcorp
Classification: Uncertain significance. Last evaluated: 2025-12-28. Review status: criteria provided, single submitter. Criteria: Invitae Variant Classification Sherloc (09022015). Collection method: clinical testing. Allele origin: germline.
Comment: This sequence change replaces valine, which is neutral and non-polar, with isoleucine, which is neutral and non-polar, at codon 1267 of the ATR protein (p.Val1267Ile). This variant is present in population databases (rs377689383, gnomAD 0.05%). This variant has not been reported in the literature in individuals affected with ATR-related conditions. ClinVar contains an entry for this variant (Variation ID: 157980). An algorithm developed to predict the effect of missense changes on protein structure and function outputs the following: PolyPhen-2: "Benign". The isoleucine amino acid residue is found in multiple mammalian species, which suggests that this missense change does not adversely affect protein function. In summary, the available evidence is currently insufficient to determine the role of this variant in disease. Therefore, it has been classified as a Variant of Uncertain Significance.

Laboratory of Genetics, Children's Clinical University Hospital Latvia
Classification: Likely benign. Last evaluated: 2025-02-16. Review status: criteria provided, single submitter. Criteria: ACMG Guidelines, 2015. Collection method: clinical testing. Allele origin: germline. Affected: yes.

Ambry Genetics
Classification: Likely benign for Inborn genetic diseases. Last evaluated: 2024-08-19. Review status: criteria provided, single submitter. Criteria: Ambry Variant Classification Scheme 2023. Collection method: clinical testing. Allele origin: germline.

Fulgent Genetics
Classification: Uncertain significance for Seckel syndrome 1; Familial cutaneous telangiectasia and oropharyngeal predisposition cancer syndrome. Last evaluated: 2018-10-31. Review status: criteria provided, single submitter. Criteria: ACMG Guidelines, 2015. Collection method: clinical testing. Allele origin: unknown.

Genetic Services Laboratory, University of Chicago
Classification: Uncertain significance for Seckel syndrome 1. Last evaluated: 2014-06-26. Review status: criteria provided, single submitter. Criteria: ACMG Guidelines, 2015. Collection method: clinical testing. Allele origin: germline. Inheritance: Autosomal recessive inheritance.

NM_001184.4(ATR):c.3799G>A (p.Val1267Ile)

Gene: ATR (ATR checkpoint kinase; minus strand). Cytogenetic location: 3q23.
Variant type: single nucleotide variant.
Coding change: c.3799G>A on transcript NM_001184.4 (MANE Select); coding-DNA position 3799, G replaced by A.
Protein change: p.Val1267Ile; replaces valine 1267 with isoleucine.
Molecular consequence: missense variant.
Genome position (GRCh38, 1-based): chr3:142,536,128, C>T on the plus strand (G>A on the coding strand, the complement: ATR is on the minus strand). VCF-style: chr3-142536128-C-T. GRCh37 (hg19) VCF-style: chr3-142254970-C-T.
Other names: c.3607G>A, p.Val1203Ile (NM_001354579.2); short protein forms V1267I, V1203I.
Identifiers: ClinVar variation 157980 (VCV000157980.16), dbSNP rs377689383, ClinGen allele CA345976.